The following is an entry in ClinVar:

ClinVar aggregate classification (germline): Uncertain significance (1 of 4 stars; one submission).

Conditions:
Primary ciliary dyskinesia. Also called: Ciliary dyskinesia. Identifiers: Orphanet 244, MedGen C0008780, MONDO:0016575, HP:0012265.

Submission:

Ambry Genetics
Classification: Uncertain significance for Primary ciliary dyskinesia. Last evaluated: 2026-04-27. Review status: criteria provided, single submitter. Criteria: Ambry Variant Classification Scheme 2023. Collection method: clinical testing. Allele origin: germline.
Comment: The p.R3314L variant (also known as c.9941G>T), located in coding exon 59 of the DNAH5 gene, results from a G to T substitution at nucleotide position 9941. The arginine at codon 3314 is replaced by leucine, an amino acid with dissimilar properties. This amino acid position is conserved. In addition, the in silico prediction for this alteration is inconclusive. Based on the available evidence, the clinical significance of this variant remains unclear.

NM_001369.3(DNAH5):c.9941G>T (p.Arg3314Leu)

Gene: DNAH5 (dynein axonemal heavy chain 5; minus strand). Cytogenetic location: 5p15.2.
Variant type: single nucleotide variant.
Coding change: c.9941G>T on transcript NM_001369.3 (MANE Select); coding-DNA position 9941, G replaced by T.
Protein change: p.Arg3314Leu; replaces arginine 3314 with leucine.
Molecular consequence: missense variant.
Genome position (GRCh38, 1-based): chr5:13,766,136, C>A on the plus strand (G>T on the coding strand, the complement: DNAH5 is on the minus strand). VCF-style: chr5-13766136-C-A. GRCh37 (hg19) VCF-style: chr5-13766245-C-A.
Other names: short protein forms R3314L.
Identifiers: ClinVar variation 4869957 (VCV004869957.1).
Genomic context (GRCh38, chr5:13,766,136, plus strand): 5'-ACTTTCCTTTGAAACAGCAGCAGTACGCAATCCATGATCCGCATGATGAGGTGAGGGGGG[C>A]GGCCCAACGTGCGAACAGTGGCGATGTCCGAAGGCCTGATGGTCTGGGGGATGAAAGGAA-3'
Protein context (NP_001360.1, residues 3304-3324): SDIATVRTLG[Arg3314Leu]PPHLIMRIMD